The following is an entry in ClinVar:

NM_003470.3(USP7):c.2901C>A (p.Ser967Arg)

Gene: USP7 (ubiquitin specific peptidase 7; minus strand). Cytogenetic location: 16p13.2.
Variant type: single nucleotide variant.
Coding change: c.2901C>A on transcript NM_003470.3 (MANE Select); coding-DNA position 2901, C replaced by A.
Protein change: p.Ser967Arg; replaces serine 967 with arginine.
Molecular consequence: missense variant. On other transcripts: non-coding transcript variant (1).
Genome position (GRCh38, 1-based): chr16:8,895,660, G>T on the plus strand (C>A on the coding strand, the complement: USP7 is on the minus strand). VCF-style: chr16-8895660-G-T. GRCh37 (hg19) VCF-style: chr16-8989517-G-T.
Other names: c.2853C>A, p.Ser951Arg (NM_001286457.2); c.2604C>A, p.Ser868Arg (NM_001286458.2); c.2727C>A, p.Ser909Arg (NM_001321858.2); short protein forms S868R, S909R, S951R, S967R.
Identifiers: ClinVar variation 5020284 (VCV005020284.1).

ClinVar aggregate classification (germline): Uncertain significance (1 of 4 stars; one submission).

Submission:

Dasa
Classification: Uncertain significance. Last evaluated: 2026-06-29. Review status: criteria provided, single submitter. Criteria: DASA Assertion Criteria. Collection method: clinical testing. Allele origin: germline.
Comment: NM_003470.3(USP7):c.2901C>A (p.Ser967Arg) is a missense variant that results in the substitution of serine with arginine. This variant is rare in population databases. The currently available literature and clinical evidence are not sufficient to establish a definitive association between this variant and the reported condition. Therefore, this variant is classified as a variant of uncertain significance.